The following is an entry in ClinVar:

NM_002880.4(RAF1):c.1613T>C (p.Leu538Ser)

Gene: RAF1 (Raf-1 proto-oncogene, serine/threonine kinase; minus strand). Cytogenetic location: 3p25.2.
Variant type: single nucleotide variant.
Coding change: c.1613T>C on transcript NM_002880.4 (MANE Select); coding-DNA position 1613, T replaced by C.
Protein change: p.Leu538Ser; replaces leucine 538 with serine.
Molecular consequence: missense variant. On other transcripts: non-coding transcript variant (3).
Genome position (GRCh38, 1-based): chr3:12,585,177, A>G on the plus strand (T>C on the coding strand, the complement: RAF1 is on the minus strand). VCF-style: chr3-12585177-A-G. GRCh37 (hg19) VCF-style: chr3-12626676-A-G.
Other names: c.1673T>C, p.Leu558Ser (NM_001354689.3); c.1613T>C, p.Leu538Ser (NM_001354690.3); c.1370T>C, p.Leu457Ser (NM_001354691.3, NM_001354692.3); c.1514T>C, p.Leu505Ser (NM_001354693.3); c.1430T>C, p.Leu477Ser (NM_001354694.3); c.1271T>C, p.Leu424Ser (NM_001354695.3); short protein forms L538S, L457S, L424S, L477S, L505S, L558S.
Identifiers: ClinVar variation 864526 (VCV000864526.11), dbSNP rs730881011, ClinGen allele CA69603282.

ClinVar aggregate classification (germline): Uncertain significance. Review status: criteria provided, multiple submitters, no conflicts (2 of 4 stars). 3 submissions from 3 submitters: Uncertain significance (3). Last evaluated 2024-11-05.

Conditions:
Cardiovascular phenotype. Identifiers: MedGen CN230736.
RASopathy. Also called: rasopathies; Noonan spectrum disorder. Identifiers: Orphanet 536391, MedGen C5555857, MONDO:0021060.

Allele frequency attached by ClinVar (database versions not stated): TOPMed below 0.00001.
gnomAD v4.1: 6 of 1,614,170 alleles (0.00037%); highest among the groups gnomAD compares: Admixed American, 0.0083%; no homozygotes.

Submissions (3):

Labcorp Genetics (formerly Invitae), Labcorp
Classification: Uncertain significance for RASopathy. Last evaluated: 2024-11-05. Review status: criteria provided, single submitter. Criteria: Invitae Variant Classification Sherloc (09022015). Collection method: clinical testing. Allele origin: germline.
Comment: This sequence change replaces leucine, which is neutral and non-polar, with serine, which is neutral and polar, at codon 538 of the RAF1 protein (p.Leu538Ser). This variant is present in population databases (no rsID available, gnomAD 0.01%). This variant has not been reported in the literature in individuals affected with RAF1-related conditions. ClinVar contains an entry for this variant (Variation ID: 864526). Invitae Evidence Modeling of protein sequence and biophysical properties (such as structural, functional, and spatial information, amino acid conservation, physicochemical variation, residue mobility, and thermodynamic stability) indicates that this missense variant is expected to disrupt RAF1 protein function with a positive predictive value of 95%. In summary, the available evidence is currently insufficient to determine the role of this variant in disease. Therefore, it has been classified as a Variant of Uncertain Significance.

Ambry Genetics
Classification: Uncertain significance for Cardiovascular phenotype. Last evaluated: 2024-08-28. Review status: criteria provided, single submitter. Criteria: Ambry Variant Classification Scheme 2023. Collection method: clinical testing. Allele origin: germline.
Comment: The p.L538S variant (also known as c.1613T>C), located in coding exon 14 of the RAF1 gene, results from a T to C substitution at nucleotide position 1613. The leucine at codon 538 is replaced by serine, an amino acid with dissimilar properties. This amino acid position is highly conserved in available vertebrate species. In addition, this alteration is predicted to be deleterious by in silico analysis. Based on the available evidence, the clinical significance of this variant remains unclear.

Women's Health and Genetics/Laboratory Corporation of America, LabCorp
Classification: Uncertain significance. Last evaluated: 2019-04-22. Review status: criteria provided, single submitter. Criteria: LabCorp Variant Classification Summary - May 2015. Collection method: clinical testing. Allele origin: germline.
Comment: Variant summary: RAF1 c.1613T>C (p.Leu538Ser) results in a non-conservative amino acid change located in the catalytic domain (IPR001245) of the encoded protein sequence. Five of five in-silico tools predict a damaging effect of the variant on protein function. The variant allele was found at a frequency of 1.6e-05 in 251432 control chromosomes (gnomAD). The available data on variant occurrences in the general population are insufficient to allow clear conclusions about variant significance. To our knowledge, no occurrence of c.1613T>C in individuals affected with Noonan Syndrome and Related Conditions and no experimental evidence demonstrating its impact on protein function have been reported. No clinical diagnostic laboratories have submitted clinical-significance assessments for this variant to ClinVar after 2014. Based on the evidence outlined above, the variant was classified as uncertain significance.